The following is an entry in ClinVar:

ClinVar aggregate classification (germline): Benign/Likely benign. Review status: criteria provided, multiple submitters, no conflicts (2 of 4 stars). 3 submissions from 3 submitters: Benign (1); Likely benign (1). 1 of the submissions does not count toward it. Last evaluated 2023-11-30.

Conditions:
CAMTA1-related disorder. Also called: CAMTA1-related condition.

Allele frequency attached by ClinVar (database versions not stated): ESP Exome Variant Server 0.00015; gnomAD 0.00019; gnomAD exomes 0.00022; TOPMed 0.00022; ExAC 0.00023; 1000 Genomes Project 30x 0.00047; 1000 Genomes Project 0.00060.
gnomAD v4.1: 128 of 1,614,000 alleles (0.0079%); highest among the groups gnomAD compares: East Asian, 0.1%; no homozygotes.

Submissions (3):

Blueprint Genetics
Classification: Likely benign. Last evaluated: 2023-11-30. Review status: criteria provided, single submitter. Criteria: ACMG Guidelines, 2015. Collection method: clinical testing. Allele origin: germline.

Labcorp Genetics (formerly Invitae), Labcorp
Classification: Benign. Last evaluated: 2023-10-03. Review status: criteria provided, single submitter. Criteria: Invitae Variant Classification Sherloc (09022015). Collection method: clinical testing. Allele origin: germline.

PreventionGenetics, part of Exact Sciences
Classification: Likely benign for CAMTA1-related condition. Last evaluated: 2019-05-28. Review status: no assertion criteria provided. Collection method: clinical testing. Allele origin: germline. Not counted in ClinVar's aggregate classification.
Comment: This variant is classified as likely benign based on ACMG/AMP sequence variant interpretation guidelines (Richards et al. 2015 PMID: 25741868, with internal and published modifications).

NM_015215.4(CAMTA1):c.1326C>T (p.Phe442=)

Gene: CAMTA1 (calmodulin binding transcription activator 1; plus strand). Cytogenetic location: 1p36.23.
Variant type: single nucleotide variant.
Coding change: c.1326C>T on transcript NM_015215.4 (MANE Select); coding-DNA position 1326, C replaced by T.
Protein change: p.Phe442=; no amino-acid change (phenylalanine 442 retained).
Molecular consequence: synonymous variant.
Genome position (GRCh38, 1-based): chr1:7,663,873, C>T. VCF-style: chr1-7663873-C-T. GRCh37 (hg19) VCF-style: chr1-7723933-C-T.
Other names: c.1236C>T, p.Phe412= (NM_001349608.2, NM_001349612.2); c.1326C>T, p.Phe442= (NM_001349609.2, NM_001349610.2).
Identifiers: ClinVar variation 713173 (VCV000713173.12), dbSNP rs141193119, ClinGen allele CA566426.